The following is an entry in ClinVar:

NM_020184.4(CNNM4):c.34G>C (p.Gly12Arg)

Gene: CNNM4 (cyclin and CBS domain divalent metal cation transport mediator 4; plus strand). Cytogenetic location: 2q11.2.
Variant type: single nucleotide variant.
Coding change: c.34G>C on transcript NM_020184.4 (MANE Select); coding-DNA position 34, G replaced by C.
Protein change: p.Gly12Arg; replaces glycine 12 with arginine.
Molecular consequence: missense variant.
Genome position (GRCh38, 1-based): chr2:96,761,033, G>C. VCF-style: chr2-96761033-G-C. GRCh37 (hg19) VCF-style: chr2-97426770-G-C.
Other names: c.34G>C (NM_020184.3); short protein forms G12R.
Identifiers: ClinVar variation 2003546 (VCV002003546.5), dbSNP rs1171352404, ClinGen allele CA347710434.

ClinVar aggregate classification (germline): Uncertain significance. Review status: criteria provided, multiple submitters, no conflicts (2 of 4 stars). 2 submissions from 2 submitters: Uncertain significance (2). Last evaluated 2024-07-26.

Conditions:
Inborn genetic diseases. Identifiers: MedGen C0950123, MeSH D030342.

gnomAD v4.1: 1 of 1,215,892 alleles (0.000082%); highest among the groups gnomAD compares: Non-Finnish European, 0.0001%; no homozygotes.

Submissions (2):

Ambry Genetics
Classification: Uncertain significance for Inborn genetic diseases. Last evaluated: 2024-07-26. Review status: criteria provided, single submitter. Criteria: Ambry Variant Classification Scheme 2023. Collection method: clinical testing. Allele origin: germline.

Labcorp Genetics (formerly Invitae), Labcorp
Classification: Uncertain significance. Last evaluated: 2022-06-14. Review status: criteria provided, single submitter. Criteria: Invitae Variant Classification Sherloc (09022015). Collection method: clinical testing. Allele origin: germline.
Comment: In summary, the available evidence is currently insufficient to determine the role of this variant in disease. Therefore, it has been classified as a Variant of Uncertain Significance. Algorithms developed to predict the effect of missense changes on protein structure and function are either unavailable or do not agree on the potential impact of this missense change (SIFT: "Tolerated"; PolyPhen-2: "Not Available"; Align-GVGD: "Class C0"). This variant has not been reported in the literature in individuals affected with CNNM4-related conditions. The frequency data for this variant in the population databases is considered unreliable, as metrics indicate insufficient coverage at this position in the gnomAD database. This sequence change replaces glycine, which is neutral and non-polar, with arginine, which is basic and polar, at codon 12 of the CNNM4 protein (p.Gly12Arg).